The following is an entry in ClinVar:

NM_001458.5(FLNC):c.5269C>A (p.Pro1757Thr)

Gene: FLNC (filamin C; plus strand). Cytogenetic location: 7q32.1.
Variant type: single nucleotide variant.
Coding change: c.5269C>A on transcript NM_001458.5 (MANE Select); coding-DNA position 5269, C replaced by A.
Protein change: p.Pro1757Thr; replaces proline 1757 with threonine.
Molecular consequence: missense variant. On other transcripts: intron variant (1).
Genome position (GRCh38, 1-based): chr7:128,850,045, C>A. VCF-style: chr7-128850045-C-A. GRCh37 (hg19) VCF-style: chr7-128490099-C-A.
Other names: c.5200-339C>A (NM_001127487.2); short protein forms P1757T.
Identifiers: ClinVar variation 5021953 (VCV005021953.1).

ClinVar aggregate classification (germline): Uncertain significance (1 of 4 stars; one submission).

Conditions:
Cardiovascular phenotype. Identifiers: MedGen CN230736.

Submission:

Ambry Genetics
Classification: Uncertain significance for Cardiovascular phenotype. Last evaluated: 2026-07-26. Review status: criteria provided, single submitter. Criteria: Ambry Variant Classification Scheme 2023. Collection method: clinical testing. Allele origin: germline.
Comment: The p.P1757T variant (also known as c.5269C>A), located in coding exon 31 of the FLNC gene, results from a C to A substitution at nucleotide position 5269. The proline at codon 1757 is replaced by threonine, an amino acid with highly similar properties. This amino acid position is conserved. In addition, this alteration is predicted to be tolerated by in silico analysis. Based on the available evidence, the clinical significance of this variant remains unclear.